The following is an entry in ClinVar:

ClinVar aggregate classification (germline): Uncertain significance (1 of 4 stars; one submission).

Conditions:
Neurofibromatosis, type 2 (SWNV). Also called: NF2-Related Schwannomatosis; BILATERAL ACOUSTIC NEUROFIBROMATOSIS; SCHWANNOMATOSIS, VESTIBULAR. Identifiers: Orphanet 637, MedGen C0027832, MONDO:0007039, OMIM 101000. Disease mechanism: loss of function.

Submission:

Labcorp Genetics (formerly Invitae), Labcorp
Classification: Uncertain significance for Neurofibromatosis, type 2. Last evaluated: 2022-03-03. Review status: criteria provided, single submitter. Criteria: Invitae Variant Classification Sherloc (09022015). Collection method: clinical testing. Allele origin: germline.
Comment: This sequence change replaces lysine, which is basic and polar, with glutamine, which is neutral and polar, at codon 469 of the NF2 protein (p.Lys469Gln). In summary, the available evidence is currently insufficient to determine the role of this variant in disease. Therefore, it has been classified as a Variant of Uncertain Significance. Algorithms developed to predict the effect of missense changes on protein structure and function are either unavailable or do not agree on the potential impact of this missense change (SIFT: "Tolerated"; PolyPhen-2: "Probably Damaging"; Align-GVGD: "Class C0"). This variant has not been reported in the literature in individuals affected with NF2-related conditions. This variant is not present in population databases (gnomAD no frequency).

NM_000268.4(NF2):c.1405A>C (p.Lys469Gln)

Gene: NF2 (NF2, moesin-ezrin-radixin like (MERLIN) tumor suppressor; plus strand). Cytogenetic location: 22q12.2.
Variant type: single nucleotide variant.
Coding change: c.1405A>C on transcript NM_000268.4 (MANE Select); coding-DNA position 1405, A replaced by C.
Protein change: p.Lys469Gln; replaces lysine 469 with glutamine.
Molecular consequence: missense variant. On other transcripts: non-coding transcript variant (1), intron variant (1).
Genome position (GRCh38, 1-based): chr22:29,674,900, A>C. VCF-style: chr22-29674900-A-C. GRCh37 (hg19) VCF-style: chr22-30070889-A-C.
Other names: c.1291A>C, p.Lys431Gln (NM_001407053.1, NM_001407056.1); c.1282A>C, p.Lys428Gln (NM_001407054.1, NM_181829.3, NM_001407058.1); c.1279A>C, p.Lys427Gln (NM_001407055.1, NM_181828.3); c.1270A>C, p.Lys424Gln (NM_001407057.1, NM_001407059.1); c.1405A>C, p.Lys469Gln (NM_181825.3, NM_181832.3, NM_001407060.1 and 2 more transcripts); c.1156A>C, p.Lys386Gln (NM_181830.3, NM_181831.3, NM_001407063.1 and 1 more transcripts); c.448-19852A>C (NM_181833.3); c.1147A>C, p.Lys383Gln (NM_001407062.1); and 2 more; short protein forms K291Q, K383Q, K428Q, K427Q, K469Q, K386Q, K392Q, K424Q.
Identifiers: ClinVar variation 2106473 (VCV002106473.4), dbSNP rs2147093241, ClinGen allele CA411149065.